The following is an entry in ClinVar:

ClinVar aggregate classification (germline): Conflicting classifications of pathogenicity. Review status: criteria provided, conflicting classifications (1 of 4 stars). 4 submissions from 4 submitters: Uncertain significance (1); Likely benign (3). Last evaluated 2025-12-19.

Conditions:
Inborn genetic diseases. Identifiers: MedGen C0950123, MeSH D030342.
AHDC1-related intellectual disability - obstructive sleep apnea - mild dysmorphism syndrome. Also called: Xia-Gibbs syndrome. Identifiers: Orphanet 412069, MedGen C4014419, MONDO:0014358, OMIM 615829.

Allele frequency attached by ClinVar (database versions not stated): gnomAD 0.00001 and 0.00002; ExAC 0.00002; TOPMed 0.00003; gnomAD exomes 0.00004.

Submissions (4):

Labcorp Genetics (formerly Invitae), Labcorp
Classification: Likely benign. Last evaluated: 2025-12-19. Review status: criteria provided, single submitter. Criteria: Invitae Variant Classification Sherloc (09022015). Collection method: clinical testing. Allele origin: germline.

Ambry Genetics
Classification: Likely benign for Inborn genetic diseases. Last evaluated: 2023-02-06. Review status: criteria provided, single submitter. Criteria: Ambry Variant Classification Scheme 2023. Collection method: clinical testing. Allele origin: germline.

GeneDx
Classification: Likely benign. Last evaluated: 2019-08-12. Review status: criteria provided, single submitter. Criteria: GeneDx Variant Classification Process June 2021. Collection method: clinical testing. Allele origin: germline. Affected: yes.

Baylor Genetics
Classification: Uncertain significance for AHDC1-related intellectual disability - obstructive sleep apnea - mild dysmorphism syndrome. Last evaluated: 2018-09-19. Review status: criteria provided, single submitter. Criteria: ACMG Guidelines, 2015. Collection method: clinical testing. Allele origin: maternal. Affected: yes.
Comment: This variant was determined to be of uncertain significance according to ACMG Guidelines, 2015 [PMID:25741868].

NM_001371928.1(AHDC1):c.218G>A (p.Arg73His)

Gene: AHDC1 (AT-hook DNA binding motif containing 1; minus strand). Cytogenetic location: 1p36.11.
Variant type: single nucleotide variant.
Coding change: c.218G>A on transcript NM_001371928.1 (MANE Select); coding-DNA position 218, G replaced by A.
Protein change: p.Arg73His; replaces arginine 73 with histidine.
Molecular consequence: missense variant.
Genome position (GRCh38, 1-based): chr1:27,551,898, C>T on the plus strand (G>A on the coding strand, the complement: AHDC1 is on the minus strand). VCF-style: chr1-27551898-C-T. GRCh37 (hg19) VCF-style: chr1-27878409-C-T.
Other names: c.218G>A, p.Arg73His (NM_001029882.3); short protein forms R73H.
Identifiers: ClinVar variation 1033213 (VCV001033213.9), dbSNP rs745907116, ClinGen allele CA716201.